The following is an entry in ClinVar:

ClinVar aggregate classification (germline): Conflicting classifications of pathogenicity. Review status: criteria provided, conflicting classifications (1 of 4 stars). 2 submissions from 2 submitters: Uncertain significance (1); Likely benign (1). Last evaluated 2026-05-13.

Conditions:
Hereditary cancer-predisposing syndrome. Also called: Tumor predisposition; Neoplastic Syndromes, Hereditary; Hereditary Cancer Syndrome; Hereditary neoplastic syndrome. Identifiers: Orphanet 140162, MedGen C0027672, MeSH D009386, MONDO:0015356.
Hereditary nonpolyposis colorectal neoplasms. Identifiers: MedGen C0009405, MeSH D003123.

Submissions (2):

Ambry Genetics
Classification: Likely benign for Hereditary cancer-predisposing syndrome. Last evaluated: 2026-05-13. Review status: criteria provided, single submitter. Criteria: Ambry Variant Classification Scheme 2023. Collection method: clinical testing. Allele origin: germline.

Labcorp Genetics (formerly Invitae), Labcorp
Classification: Uncertain significance for Hereditary nonpolyposis colorectal neoplasms. Last evaluated: 2025-08-20. Review status: criteria provided, single submitter. Criteria: Invitae Variant Classification Sherloc (09022015). Collection method: clinical testing. Allele origin: germline.
Comment: This sequence change replaces serine, which is neutral and polar, with cysteine, which is neutral and slightly polar, at codon 43 of the MSH6 protein (p.Ser43Cys). This variant is not present in population databases (gnomAD no frequency). This variant has not been reported in the literature in individuals affected with MSH6-related conditions. ClinVar contains an entry for this variant (Variation ID: 1415443). Invitae Evidence Modeling of protein sequence and biophysical properties (such as structural, functional, and spatial information, amino acid conservation, physicochemical variation, residue mobility, and thermodynamic stability) indicates that this missense variant is not expected to disrupt MSH6 protein function with a negative predictive value of 95%. In summary, the available evidence is currently insufficient to determine the role of this variant in disease. Therefore, it has been classified as a Variant of Uncertain Significance.

NM_000179.3(MSH6):c.128C>G (p.Ser43Cys)

Gene: MSH6 (mutS homolog 6; plus strand). Cytogenetic location: 2p16.3.
Variant type: single nucleotide variant.
Coding change: c.128C>G on transcript NM_000179.3 (MANE Select); coding-DNA position 128, C replaced by G.
Protein change: p.Ser43Cys; replaces serine 43 with cysteine.
Molecular consequence: missense variant. On other transcripts: 5 prime UTR variant (1).
Genome position (GRCh38, 1-based): chr2:47,783,361, C>G. VCF-style: chr2-47783361-C-G. GRCh37 (hg19) VCF-style: chr2-48010500-C-G.
Other names: c.128C>G (NM_000179.2); c.128C>G, p.Ser43Cys (NM_001281492.2); c.-609C>G (NM_001281493.2); short protein forms S43C.
Identifiers: ClinVar variation 1415443 (VCV001415443.9), dbSNP rs781203386, ClinGen allele CA346734885.